The following is an entry in ClinVar:

NM_004082.5(DCTN1):c.1504C>A (p.Arg502Ser)

Gene: DCTN1 (dynactin subunit 1; minus strand). Cytogenetic location: 2p13.1.
Variant type: single nucleotide variant.
Coding change: c.1504C>A on transcript NM_004082.5 (MANE Select); coding-DNA position 1504, C replaced by A.
Protein change: p.Arg502Ser; replaces arginine 502 with serine.
Molecular consequence: missense variant. On other transcripts: non-coding transcript variant (1).
Genome position (GRCh38, 1-based): chr2:74,369,380, G>T on the plus strand (C>A on the coding strand, the complement: DCTN1 is on the minus strand). VCF-style: chr2-74369380-G-T. GRCh37 (hg19) VCF-style: chr2-74596507-G-T.
Other names: p.Arg502Ser; c.1444C>A, p.Arg482Ser (NM_001135040.3); c.1102C>A, p.Arg368Ser (NM_001135041.3, NM_023019.4); c.1393C>A, p.Arg465Ser (NM_001190836.2); c.1483C>A, p.Arg495Ser (NM_001190837.2); c.1453C>A, p.Arg485Ser (NM_001378991.1); c.1435C>A, p.Arg479Ser (NM_001378992.1); short protein forms R482S, R465S, R495S, R368S, R502S, R479S, R485S.
Identifiers: ClinVar variation 706130 (VCV000706130.19), dbSNP rs145958900, ClinGen allele CA1722130.

ClinVar aggregate classification (germline): Benign/Likely benign. Review status: criteria provided, multiple submitters, no conflicts (2 of 4 stars). 6 submissions from 5 submitters: Benign (2); Likely benign (3). 1 of the submissions does not count toward it. Last evaluated 2025-12-16.

Conditions:
Inborn genetic diseases. Identifiers: MedGen C0950123, MeSH D030342.
Neuronopathy, distal hereditary motor, type 7B. Also called: NEURONOPATHY, DISTAL HEREDITARY MOTOR, AUTOSOMAL DOMINANT 14; NEURONOPATHY, DISTAL HEREDITARY MOTOR, HARDING TYPE VIIB; NEUROPATHY, DISTAL HEREDITARY MOTOR, HARDING TYPE VIIB; NEUROPATHY, DISTAL HEREDITARY MOTOR, WITH VOCAL CORD PARALYSIS, HARDING TYPE VIIB; HMN VIIB; LOWER MOTOR NEURON DISEASE, DYNACTIN TYPE. Identifiers: Orphanet 139589, MedGen C1843315, MONDO:0011879, OMIM 607641.
Perry syndrome. Also called: PARKINSONISM WITH ALVEOLAR HYPOVENTILATION AND MENTAL DEPRESSION. Identifiers: Orphanet 178509, MedGen C1868594, MONDO:0008201, OMIM 168605.
DCTN1-related disorder. Also called: DCTN1-related condition.
Amyotrophic lateral sclerosis type 1 (ALS1). Also called: AMYOTROPHIC LATERAL SCLEROSIS 1, FAMILIAL. Identifiers: Orphanet 803, MedGen C1862939, MONDO:0007103, OMIM 105400.

Allele frequency attached by ClinVar (database versions not stated): 1000 Genomes Project 0.00040; 1000 Genomes Project 30x 0.00047; gnomAD 0.00070; TOPMed 0.00085; ESP Exome Variant Server 0.00108.

Submissions (6):

Labcorp Genetics (formerly Invitae), Labcorp
Classification: Likely benign for Amyotrophic lateral sclerosis type 1; Neuronopathy, distal hereditary motor, type 7B; Perry syndrome. Last evaluated: 2025-12-16. Review status: criteria provided, single submitter. Criteria: Invitae Variant Classification Sherloc (09022015). Collection method: clinical testing. Allele origin: germline.

Mayo Clinic Laboratories, Mayo Clinic
Classification: Likely benign. Last evaluated: 2025-05-06. Review status: criteria provided, single submitter. Criteria: ACMG Guidelines, 2015. Collection method: clinical testing. Allele origin: germline. Observed: 2 variant alleles.
Comment: BS1, BP5

Ambry Genetics
Classification: Likely benign for Inborn genetic diseases. Last evaluated: 2022-02-02. Review status: criteria provided, single submitter. Criteria: Ambry Variant Classification Scheme 2023. Collection method: clinical testing. Allele origin: germline.

Illumina Laboratory Services, Illumina
Classification: Benign for Perry syndrome. Last evaluated: 2018-01-13. Review status: criteria provided, single submitter. Criteria: ICSL Variant Classification Criteria 13 December 2019. Collection method: clinical testing. Allele origin: germline.
Comment: This variant was observed in the ICSL laboratory as part of a predisposition screen in an ostensibly healthy population. It had not been previously curated by ICSL or reported in the Human Gene Mutation Database (HGMD: prior to June 1st, 2018), and was therefore a candidate for classification through an automated scoring system. Utilizing variant allele frequency, disease prevalence and penetrance estimates, and inheritance mode, an automated score was calculated to assess if this variant is too frequent to cause the disease. Based on the score and internal cut-off values, a variant classified as benign is not then subjected to further curation. The score for this variant resulted in a classification of benign for this disease.

Illumina Laboratory Services, Illumina
Classification: Benign for Neuronopathy, distal hereditary motor, type 7B. Last evaluated: 2018-01-13. Review status: criteria provided, single submitter. Criteria: ICSL Variant Classification Criteria 13 December 2019. Collection method: clinical testing. Allele origin: germline.
Comment: the same text as in the submission from Illumina Laboratory Services, Illumina above.

PreventionGenetics, part of Exact Sciences
Classification: Likely benign for DCTN1-related condition. Last evaluated: 2023-02-10. Review status: no assertion criteria provided. Collection method: clinical testing. Allele origin: germline. Not counted in ClinVar's aggregate classification.
Comment: This variant is classified as likely benign based on ACMG/AMP sequence variant interpretation guidelines (Richards et al. 2015 PMID: 25741868, with internal and published modifications).